The following is an entry in ClinVar:

NM_198512.3(DGAT2L6):c.267+8C>T

Gene: DGAT2L6 (diacylglycerol O-acyltransferase 2 like 6; plus strand). Cytogenetic location: Xq13.1.
Variant type: single nucleotide variant.
Coding change: c.267+8C>T on transcript NM_198512.3 (MANE Select); 8 bases into the intron after coding-DNA position 267, C replaced by T.
Molecular consequence: intron variant.
Genome position (GRCh38, 1-based): chrX:70,199,890, C>T. VCF-style: chrX-70199890-C-T. GRCh37 (hg19) VCF-style: chrX-69419740-C-T.
Identifiers: ClinVar variation 714926 (VCV000714926.5), dbSNP rs112865288, ClinGen allele CA10439651.

ClinVar aggregate classification (germline): Benign. Review status: criteria provided, single submitter (1 of 4 stars). 2 submissions from 2 submitters: Benign (1). 1 of the submissions does not count toward it. Last evaluated 2017-08-08.

Conditions:
DGAT2L6-related disorder. Also called: DGAT2L6-related condition.

Allele frequency attached by ClinVar (database versions not stated): ExAC 0.00112; 1000 Genomes Project 30x 0.00166; 1000 Genomes Project 0.00212; gnomAD 0.00294 and 0.00316; ESP Exome Variant Server 0.00322; TOPMed 0.00333.
gnomAD v4.1: 706 of 1,205,027 alleles (0.059%); highest among the groups gnomAD compares: African/African-American, 1.1%; 7 homozygotes.

Submissions (2):

Labcorp Genetics (formerly Invitae), Labcorp
Classification: Benign. Last evaluated: 2017-08-08. Review status: criteria provided, single submitter. Criteria: Invitae Variant Classification Sherloc (09022015). Collection method: clinical testing. Allele origin: germline.

PreventionGenetics, part of Exact Sciences
Classification: Benign for DGAT2L6-related condition. Last evaluated: 2019-07-10. Review status: no assertion criteria provided. Collection method: clinical testing. Allele origin: germline. Not counted in ClinVar's aggregate classification.
Comment: This variant is classified as benign based on ACMG/AMP sequence variant interpretation guidelines (Richards et al. 2015 PMID: 25741868, with internal and published modifications).